The following is an entry in ClinVar:

NM_014804.3(KIAA0753):c.892T>C (p.Trp298Arg)

Gene: KIAA0753 (KIAA0753; minus strand). Cytogenetic location: 17p13.1.
Variant type: single nucleotide variant.
Coding change: c.892T>C on transcript NM_014804.3 (MANE Select); coding-DNA position 892, T replaced by C.
Protein change: p.Trp298Arg; replaces tryptophan 298 with arginine.
Molecular consequence: missense variant. On other transcripts: non-coding transcript variant (3), 5 prime UTR variant (1).
Genome position (GRCh38, 1-based): chr17:6,623,094, A>G on the plus strand (T>C on the coding strand, the complement: KIAA0753 is on the minus strand). VCF-style: chr17-6623094-A-G. GRCh37 (hg19) VCF-style: chr17-6526414-A-G.
Other names: c.-6T>C (NM_001351225.2); short protein forms W298R.
Identifiers: ClinVar variation 2320781 (VCV002320781.3), dbSNP rs749161518, ClinGen allele CA8330661.
Genomic context (GRCh38, chr17:6,623,094, plus strand): 5'-CAAACATCTGTAAGGCCCGAATGGCTCCTCGATGGGCAGCCGCCAGCTTAGACATTGCCC[A>G]TGACTGGTAATAAACAAGATGAGAGAAGTTATTTCCATACTCAGAACTTGCTAACATTCA-3'
Protein context (NP_055619.2, residues 288-308): PHKIKHTKKS[Trp298Arg]AMSKLAAAHR

ClinVar aggregate classification (germline): Uncertain significance. Review status: criteria provided, multiple submitters, no conflicts (2 of 4 stars). 2 submissions from 2 submitters: Uncertain significance (2). Last evaluated 2022-11-04.

Conditions:
Inborn genetic diseases. Identifiers: MedGen C0950123, MeSH D030342.

Allele frequency attached by ClinVar (database versions not stated): TOPMed below 0.00001; gnomAD 0.00001; gnomAD exomes 0.00002; ExAC 0.00003.
gnomAD v4.1: 26 of 1,611,782 alleles (0.0016%); highest among the groups gnomAD compares: Non-Finnish European, 0.0021%; no homozygotes.

Submissions (2):

Labcorp Genetics (formerly Invitae), Labcorp
Classification: Uncertain significance. Last evaluated: 2022-11-04. Review status: criteria provided, single submitter. Criteria: Invitae Variant Classification Sherloc (09022015). Collection method: clinical testing. Allele origin: germline.
Comment: Algorithms developed to predict the effect of missense changes on protein structure and function output the following: SIFT: "Tolerated"; PolyPhen-2: "Possibly Damaging"; Align-GVGD: "Class C0". The arginine amino acid residue is found in multiple mammalian species, which suggests that this missense change does not adversely affect protein function. In summary, the available evidence is currently insufficient to determine the role of this variant in disease. Therefore, it has been classified as a Variant of Uncertain Significance. This variant has not been reported in the literature in individuals affected with KIAA0753-related conditions. This variant is present in population databases (rs749161518, gnomAD 0.005%). This sequence change replaces tryptophan, which is neutral and slightly polar, with arginine, which is basic and polar, at codon 298 of the KIAA0753 protein (p.Trp298Arg).

Ambry Genetics
Classification: Uncertain significance for Inborn genetic diseases. Last evaluated: 2022-10-26. Review status: criteria provided, single submitter. Criteria: Ambry Variant Classification Scheme 2023. Collection method: clinical testing. Allele origin: germline.